The following is an entry in ClinVar:

NM_182760.4(SUMF1):c.776A>T (p.Asn259Ile)

Gene: SUMF1 (sulfatase modifying factor 1; minus strand). Cytogenetic location: 3p26.1.
Variant type: single nucleotide variant.
Coding change: c.776A>T on transcript NM_182760.4 (MANE Select); coding-DNA position 776, A replaced by T.
Protein change: p.Asn259Ile; replaces asparagine 259 with isoleucine.
Molecular consequence: missense variant.
Genome position (GRCh38, 1-based): chr3:4,417,192, T>A on the plus strand (A>T on the coding strand, the complement: SUMF1 is on the minus strand). VCF-style: chr3-4417192-T-A. GRCh37 (hg19) VCF-style: chr3-4458876-T-A.
Other names: c.701A>T, p.Asn234Ile (NM_001164674.2); c.776A>T, p.Asn259Ile (NM_001164675.2); c.776A>T (NM_182760.3); short protein forms N259I, N234I.
Identifiers: ClinVar variation 1517374 (VCV001517374.12), dbSNP rs764215221, ClinGen allele CA2230462.
Genomic context (GRCh38, chr3:4,417,192, plus strand): 5'-GCAGTTCCTTGGAAGCCATCCTCACCAGTGTTGGTCACCGGAAACTCGCCCTGCCAAATG[T>A]TGGCATAATGCTGGCCTTTGGGCTGCAGTTTGTTGCCCCAGGGGAAAAGTCTGTCAGAAG-3'
Protein context (NP_877437.2, residues 249-269): KLQPKGQHYA[Asn259Ile]IWQGEFPVTN

ClinVar aggregate classification (germline): Conflicting classifications of pathogenicity. Review status: criteria provided, conflicting classifications (1 of 4 stars). 7 submissions from 7 submitters: Likely pathogenic (5); Uncertain significance (2). Last evaluated 2026-06-30.

Conditions:
Multiple sulfatase deficiency (MSD). Also called: Sulfatidosis, Juvenile, Austin Type; Mucosulfatidosis; Multiple Sulfatase Deficiency Disease. Identifiers: Orphanet 585, MedGen C0268263, MONDO:0010088, OMIM 272200.
SUMF1-related disorder. Also called: SUMF1-related condition.

Allele frequency attached by ClinVar (database versions not stated): gnomAD 0.00010 and 0.00011; gnomAD exomes 0.00011 and 0.00025; ExAC 0.00024.
gnomAD v4.1: 188 of 1,613,932 alleles (0.012%); highest among the groups gnomAD compares: Non-Finnish European, 0.004%; no homozygotes.

Submissions (7):

Myriad Genetics, Inc.
Classification: Uncertain significance for Multiple sulfatase deficiency. Last evaluated: 2026-06-30. Review status: criteria provided, single submitter. Criteria: Myriad Autosomal Dominant, Autosomal Recessive and X-Linked Classification Criteria (2023). Collection method: clinical testing. Allele origin: unknown.
Comment: NM_182760.3(SUMF1):c.776A>T(N259I) is a missense variant classified as a variant of uncertain significance in the context of multiple sulfatase deficiency. N259I has been observed in cases with relevant disease (PMID: 15146462, 36980153, Martinez_2004_(Presentation) ). Relevant functional assessments of this variant are available in the literature (PMID: 15146462, 32749716). Internal structural analysis of the variant is supportive of pathogenicity. N259I has been observed in referenced population frequency databases. In summary, there is insufficient evidence to classify NM_182760.3(SUMF1):c.776A>T(N259I) as pathogenic or benign. Please note: this variant was assessed in the context of healthy population screening.

Dasa
Classification: Likely pathogenic. Last evaluated: 2026-02-28. Review status: criteria provided, single submitter. Criteria: DASA Assertion Criteria. Collection method: clinical testing. Allele origin: germline.
Comment: NM_182760.4(SUMF1):c.776A>T (p.Asn259Ile) is a missense variant that results in the substitution of asparagine with isoleucine. This variant has been recurrently observed in individuals with SUMF1-related disorders (PMID: 36980153; PMID: 28468868). Functional evidence supports an impact on the gene or gene product (PMID: 15146462; PMID: 36980153; PMID: 28468868). Also, this variant is rare in population databases. Computational evidence supports a deleterious effect. Based on the currently available evidence, this variant is classified as likely pathogenic.

Women's Health and Genetics/Laboratory Corporation of America, LabCorp
Classification: Likely pathogenic for Multiple sulfatase deficiency. Last evaluated: 2026-02-27. Review status: criteria provided, single submitter. Criteria: LabCorp Variant Classification Summary - May 2015. Collection method: clinical testing. Allele origin: germline.
Comment: Variant summary: SUMF1 c.776A>T (p.Asn259Ile) results in a non-conservative amino acid change in the encoded protein sequence. This variant is frequently observed in cis with c.797C>T (p.Pro266Leu). Algorithms developed to predict the effect of missense changes on protein structure and function all suggest that this variant is likely to be disruptive. The variant allele was found at a frequency of 0.00025 in 251114 control chromosomes. This frequency is not significantly higher than estimated for disease-causing variants in SUMF1, allowing no conclusion about variant significance. c.776A>T has been observed in individuals affected with Multiple sulfatase deficiency with (e.g. Adang_2020, Ghosh_2017), in cis with c.797C>T (p.Pro266Leu). These report(s) do not provide unequivocal conclusions about association of the variant with Multiple sulfatase deficiency. At least one publication reports experimental evidence evaluating an impact on protein function. The most pronounced variant effect results in <10% of normal activity in COS-7 cells (Cosma_2004, Adang_2020). However, in same studies c.797C>T (p.Pro266Leu), showed no damaging impact. Additionally, two other variants affecting the same codon 259 (c.776A>G, p.N259S; c.777C>G p.N259K) have been observed in the literature, supporting a critical relevance of this residue to SUMF1 protein function. The following publications have been ascertained in the context of this evaluation (PMID: 32749716, 15146462, 28468868). ClinVar contains an entry for this variant (Variation ID: 1517374). Based on the evidence outlined above, the variant was classified as likely pathogenic.

Natera, Inc.
Classification: Likely pathogenic for Multiple sulfatase deficiency. Last evaluated: 2025-06-06. Review status: criteria provided, single submitter. Criteria: Natera Variant Classification Schema (03/2026). Collection method: clinical testing. Allele origin: germline.
Comment: The c.776A>T variant in SUMF1 is a missense variant predicted to cause substitution of asparagine to isoleucine at amino acid 259. The frequency of this variant in the general population is greater than expected for disorder. This variant has been observed in one or more individuals affected with the associated recessive disease, as either homozygous or compound heterozygous with a second variant (PMID: 36980153, 32749716, 28468868, 25885655). Functional studies show that this variant may disrupt protein function (PMID: 32749716). Computational prediction algorithms indicate this variant is likely to affect gene or protein function. Given the available evidence, this variant is classified as Likely Pathogenic.

Fulgent Genetics
Classification: Likely pathogenic for Multiple sulfatase deficiency. Last evaluated: 2024-04-30. Review status: criteria provided, single submitter. Criteria: ACMG Guidelines, 2015. Collection method: clinical testing. Allele origin: germline.

Blueprint Genetics
Classification: Likely pathogenic for SUMF1-related disorders. Last evaluated: 2023-10-30. Review status: criteria provided, single submitter. Criteria: ACMG Guidelines, 2015. Collection method: clinical testing. Allele origin: germline. Affected: yes. Observed: 5 variant alleles.

Labcorp Genetics (formerly Invitae), Labcorp
Classification: Uncertain significance for Multiple sulfatase deficiency. Last evaluated: 2022-07-26. Review status: criteria provided, single submitter. Criteria: Invitae Variant Classification Sherloc (09022015). Collection method: clinical testing. Allele origin: germline.
Comment: This sequence change replaces asparagine, which is neutral and polar, with isoleucine, which is neutral and non-polar, at codon 259 of the SUMF1 protein (p.Asn259Ile). This variant is present in population databases (rs764215221, gnomAD 0.2%). This missense change has been observed in individual(s) with multiple sulfatase deficiency (PMID: 15146462, 28468868). ClinVar contains an entry for this variant (Variation ID: 1517374). Algorithms developed to predict the effect of missense changes on protein structure and function (SIFT, PolyPhen-2, Align-GVGD) all suggest that this variant is likely to be disruptive. Experimental studies have shown that this missense change affects SUMF1 function (PMID: 15146462). In summary, the available evidence is currently insufficient to determine the role of this variant in disease. Therefore, it has been classified as a Variant of Uncertain Significance.

Literature cited by the submitters: PubMed 15146462 (cited by 4 submitters); PubMed 32749716 (cited by 3 submitters); PubMed 36980153 (cited by Dasa and Natera, Inc.); PubMed 28468868 (cited by 4 submitters); PubMed 25885655 (cited by Natera, Inc.).